The following is an entry in ClinVar:

NM_000257.4(MYH7):c.662T>C (p.Ile221Thr)

Gene: MYH7 (myosin heavy chain 7; minus strand). Cytogenetic location: 14q11.2.
Variant type: single nucleotide variant.
Coding change: c.662T>C on transcript NM_000257.4 (MANE Select); coding-DNA position 662, T replaced by C.
Protein change: p.Ile221Thr; replaces isoleucine 221 with threonine.
Molecular consequence: missense variant.
Genome position (GRCh38, 1-based): chr14:23,431,655, A>G on the plus strand (T>C on the coding strand, the complement: MYH7 is on the minus strand). VCF-style: chr14-23431655-A-G. GRCh37 (hg19) VCF-style: chr14-23900864-A-G.
Other names: c.662T>C (LRG_384t1); short protein forms I221T.
Identifiers: ClinVar variation 237443 (VCV000237443.8), dbSNP rs878853841, ClinGen allele CA10583173.
Genomic context (GRCh38, chr14:23,431,655, plus strand): 5'-GAGTTGTCGTTCCGGACGGTCTTGGCATTGCCAAAGGCCTCCAGAGCAGGGTTGGCCTGG[A>G]TGATCTGGTCCTCCAGGGTGCCCTGCAGAGGCCAAGAAGGAGGCAGGTGAGAGCTCTTCT-3'
Protein context (NP_000248.2, residues 211-231): PGKGTLEDQI[Ile221Thr]QANPALEAFG

ClinVar aggregate classification (germline): Uncertain significance (1 of 4 stars; one submission).

Conditions:
Hypertrophic cardiomyopathy. Also called: HYPERTROPHIC MYOCARDIOPATHY. Identifiers: Orphanet 217569, MedGen C0007194, MeSH D002312, MONDO:0005045, HP:0001639.

Submission:

Labcorp Genetics (formerly Invitae), Labcorp
Classification: Uncertain significance for Hypertrophic cardiomyopathy. Last evaluated: 2016-02-14. Review status: criteria provided, single submitter. Criteria: Invitae Variant Classification Sherloc (09022015). Collection method: clinical testing. Allele origin: germline.
Comment: Algorithms developed to predict the effect of missense changes on protein structure and function do not agree on the potential impact of this missense change (SIFT: "Deleterious"; PolyPhen-2: "Probably Damaging"; Align-GVGD: "Class C0"). This variant is not present in population databases (ExAC no frequency) and has not been reported in the literature in individuals with a MYH7-related disease. In summary, this is a novel missense change with uncertain impact on protein function. It has been classified as a Variant of Uncertain Significance. This sequence change replaces isoleucine with threonine at codon 221 of the MYH7 protein (p.Ile221Thr). The isoleucine residue is highly conserved and there is a moderate physicochemical difference between isoleucine and threonine.